The following is an entry in ClinVar:

NM_030667.3(PTPRO):c.945C>T (p.Ser315=)

Gene: PTPRO (protein tyrosine phosphatase receptor type O; plus strand). Cytogenetic location: 12p12.3.
Variant type: single nucleotide variant.
Coding change: c.945C>T on transcript NM_030667.3 (MANE Select); coding-DNA position 945, C replaced by T.
Protein change: p.Ser315=; no amino-acid change (serine 315 retained).
Molecular consequence: synonymous variant.
Genome position (GRCh38, 1-based): chr12:15,501,903, C>T. VCF-style: chr12-15501903-C-T. GRCh37 (hg19) VCF-style: chr12-15654837-C-T.
Other names: c.945C>T, p.Ser315= (NM_002848.4).
Identifiers: ClinVar variation 3058058 (VCV003058058.2), dbSNP rs761342171, ClinGen allele CA6466394.

ClinVar aggregate classification (germline): Likely benign (0 of 4 stars; one submission).

Conditions:
PTPRO-related disorder. Also called: PTPRO-related condition.

Allele frequency attached by ClinVar (database versions not stated): ExAC 0.00001; gnomAD 0.00001; TOPMed 0.00001.
gnomAD v4.1: 16 of 1,613,896 alleles (0.00099%); highest among the groups gnomAD compares: Non-Finnish European, 0.0013%; no homozygotes.

Submission:

PreventionGenetics, part of Exact Sciences
Classification: Likely benign for PTPRO-related condition. Last evaluated: 2019-03-21. Review status: no assertion criteria provided. Collection method: clinical testing. Allele origin: germline.
Comment: This variant is classified as likely benign based on ACMG/AMP sequence variant interpretation guidelines (Richards et al. 2015 PMID: 25741868, with internal and published modifications).